The following is an entry in ClinVar:

NM_025074.7(FRAS1):c.4741A>G (p.Met1581Val)

Gene: FRAS1 (Fraser extracellular matrix complex subunit 1; plus strand). Cytogenetic location: 4q21.21.
Variant type: single nucleotide variant.
Coding change: c.4741A>G on transcript NM_025074.7 (MANE Select); coding-DNA position 4741, A replaced by G.
Protein change: p.Met1581Val; replaces methionine 1581 with valine.
Molecular consequence: missense variant.
Genome position (GRCh38, 1-based): chr4:78,429,124, A>G. VCF-style: chr4-78429124-A-G. GRCh37 (hg19) VCF-style: chr4-79350278-A-G.
Other names: c.4741A>G, p.Met1581Val (NM_001166133.2); c.4741A>G (NM_025074.6); short protein forms M1581V.
Identifiers: ClinVar variation 1922953 (VCV001922953.3), dbSNP rs573933844, ClinGen allele CA2977320.
Genomic context (GRCh38, chr4:78,429,124, plus strand): 5'-CTCTGTGTGTGTGTGCATTTATCCTTTTTAGTTTCAGATGGAGAACACACAAGTCCGGAG[A>G]TGGTCCTCACCATTCACTTACTTCCCAGTGATCAGCAACTGCCAGTGTTCCAGGTCACAG-3'
Protein context (NP_079350.5, residues 1571-1591): VSDGEHTSPE[Met1581Val]VLTIHLLPSD

ClinVar aggregate classification (germline): Uncertain significance. Review status: criteria provided, multiple submitters, no conflicts (2 of 4 stars). 2 submissions from 2 submitters: Uncertain significance (2). Last evaluated 2025-05-14.

Conditions:
Inborn genetic diseases. Identifiers: MedGen C0950123, MeSH D030342.

Allele frequency attached by ClinVar (database versions not stated): gnomAD exomes 0.00001; 1000 Genomes Project 0.00020; TOPMed below 0.00001; ExAC 0.00007; 1000 Genomes Project 30x 0.00016; gnomAD 0.00001.

Submissions (2):

Ambry Genetics
Classification: Uncertain significance for Inborn genetic diseases. Last evaluated: 2025-05-14. Review status: criteria provided, single submitter. Criteria: Ambry Variant Classification Scheme 2023. Collection method: clinical testing. Allele origin: germline.

Labcorp Genetics (formerly Invitae), Labcorp
Classification: Uncertain significance. Last evaluated: 2022-06-23. Review status: criteria provided, single submitter. Criteria: Invitae Variant Classification Sherloc (09022015). Collection method: clinical testing. Allele origin: germline.
Comment: This sequence change replaces methionine, which is neutral and non-polar, with valine, which is neutral and non-polar, at codon 1581 of the FRAS1 protein (p.Met1581Val). This variant is present in population databases (rs573933844, gnomAD 0.004%). This variant has not been reported in the literature in individuals affected with FRAS1-related conditions. Algorithms developed to predict the effect of missense changes on protein structure and function are either unavailable or do not agree on the potential impact of this missense change (SIFT: "Deleterious"; PolyPhen-2: "Benign"; Align-GVGD: "Class C15"). In summary, the available evidence is currently insufficient to determine the role of this variant in disease. Therefore, it has been classified as a Variant of Uncertain Significance.